The following is an entry in ClinVar:

NM_000275.3(OCA2):c.1843-1G>T

Gene: OCA2 (OCA2 melanosomal transmembrane protein; minus strand). Cytogenetic location: 15q13.1.
Variant type: single nucleotide variant.
Coding change: c.1843-1G>T on transcript NM_000275.3 (MANE Select); the canonical splice acceptor site of the intron before coding-DNA position 1843, G replaced by T.
Molecular consequence: splice acceptor variant.
Genome position (GRCh38, 1-based): chr15:27,951,893, C>A on the plus strand (G>T on the coding strand, the complement: OCA2 is on the minus strand). VCF-style: chr15-27951893-C-A. GRCh37 (hg19) VCF-style: chr15-28197039-C-A.
Other names: c.1771-1G>T (NM_001300984.2).
Identifiers: ClinVar variation 1456257 (VCV001456257.8), dbSNP rs2040042896, ClinGen allele CA391364797.
Genomic context (GRCh38, chr15:27,951,893, plus strand): 5'-GATAACAAATCCCAACACTGTCAGGCATTTGGCGAGCAGAATCCCGTCAGATATCCTATG[C>A]TGTAAGAGAGAAACCACAGCTCATTTACTCTGCACAACCTTCTGACTCCTGCAGCGTGTC-3'

ClinVar aggregate classification (germline): Pathogenic (1 of 4 stars; one submission).

Submission:

Labcorp Genetics (formerly Invitae), Labcorp
Classification: Pathogenic. Last evaluated: 2024-12-02. Review status: criteria provided, single submitter. Criteria: Invitae Variant Classification Sherloc (09022015). Collection method: clinical testing. Allele origin: germline.
Comment: This sequence change affects an acceptor splice site in intron 17 of the OCA2 gene. It is expected to disrupt RNA splicing. Variants that disrupt the donor or acceptor splice site typically lead to a loss of protein function (PMID: 16199547), and loss-of-function variants in OCA2 are known to be pathogenic (PMID: 19865097, 21541274). This variant is not present in population databases (gnomAD no frequency). Disruption of this splice site has been observed in individuals with oculocutaneous albinism (PMID: 19397757; internal data). This variant is also known as IVS17 1842: -1 (G > T). ClinVar contains an entry for this variant (Variation ID: 1456257). Algorithms developed to predict the effect of sequence changes on RNA splicing suggest that this variant may disrupt the consensus splice site. For these reasons, this variant has been classified as Pathogenic.

Literature cited by the submitters: PubMed 16199547; PubMed 19865097; PubMed 21541274; PubMed 19397757.